The following is an entry in ClinVar:

ClinVar aggregate classification (germline): Uncertain significance (1 of 4 stars; one submission).

Conditions:
Autoimmune interstitial lung disease-arthritis syndrome. Also called: Autoinflammation and autoimmunity, systemic, with immune dysregulation. Identifiers: Orphanet 444092, MedGen C5975714, MONDO:0014629.

Allele frequency attached by ClinVar (database versions not stated): TOPMed below 0.00001.

Submission:

Labcorp Genetics (formerly Invitae), Labcorp
Classification: Uncertain significance for Autoimmune interstitial lung disease-arthritis syndrome. Last evaluated: 2024-01-03. Review status: criteria provided, single submitter. Criteria: Invitae Variant Classification Sherloc (09022015). Collection method: clinical testing. Allele origin: germline.
Comment: This sequence change replaces isoleucine, which is neutral and non-polar, with valine, which is neutral and non-polar, at codon 1218 of the COPA protein (p.Ile1218Val). This variant is not present in population databases (gnomAD no frequency). This variant has not been reported in the literature in individuals affected with COPA-related conditions. Advanced modeling of protein sequence and biophysical properties (such as structural, functional, and spatial information, amino acid conservation, physicochemical variation, residue mobility, and thermodynamic stability) performed at Invitae indicates that this missense variant is not expected to disrupt COPA protein function with a negative predictive value of 80%. Algorithms developed to predict the effect of sequence changes on RNA splicing suggest that this variant may create or strengthen a splice site. In summary, the available evidence is currently insufficient to determine the role of this variant in disease. Therefore, it has been classified as a Variant of Uncertain Significance.

NM_004371.4(COPA):c.3652A>G (p.Ile1218Val)

Gene: COPA (coat protein complex I subunit alpha; minus strand). Cytogenetic location: 1q23.2.
Variant type: single nucleotide variant.
Coding change: c.3652A>G on transcript NM_004371.4 (MANE Select); coding-DNA position 3652, A replaced by G.
Protein change: p.Ile1218Val; replaces isoleucine 1218 with valine.
Molecular consequence: missense variant.
Genome position (GRCh38, 1-based): chr1:160,290,180, T>C on the plus strand (A>G on the coding strand, the complement: COPA is on the minus strand). VCF-style: chr1-160290180-T-C. GRCh37 (hg19) VCF-style: chr1-160259970-T-C.
Other names: c.3679A>G, p.Ile1227Val (NM_001098398.2); short protein forms I1227V, I1218V.
Identifiers: ClinVar variation 3007055 (VCV003007055.3), dbSNP rs1658178167, ClinGen allele CA343268199.
Genomic context (GRCh38, chr1:160,290,180, plus strand): 5'-AACATATGGTGACTGACCCATGCACACAAAGGGGGCCTTAGCGAAACTGCAGAGGACTGA[T>C]CCTTAAACCAATCACATCTTTGCCAATCTCTGTCACCTGTGGAAAAACAAACAAAGGAAC-3'
Protein context (NP_004362.2, residues 1208-1224): EIGKDVIGLR[Ile1218Val]SPLQFR